The following is an entry in ClinVar:

ClinVar aggregate classification (germline): Likely benign. Review status: criteria provided, multiple submitters, no conflicts (2 of 4 stars). 2 submissions from 2 submitters: Likely benign (2). Last evaluated 2025-10-19.

Conditions:
Oligodontia-cancer predisposition syndrome. Also called: TOOTH AGENESIS-COLORECTAL CANCER SYNDROME. Identifiers: Orphanet 300576, MedGen C1837750, MONDO:0012075, OMIM 608615. Disease mechanism: loss of function.

Allele frequency attached by ClinVar (database versions not stated): gnomAD exomes below 0.00001; TOPMed 0.00002.

Submissions (2):

Labcorp Genetics (formerly Invitae), Labcorp
Classification: Likely benign for Oligodontia-cancer predisposition syndrome. Last evaluated: 2025-10-19. Review status: criteria provided, single submitter. Criteria: Invitae Variant Classification Sherloc (09022015). Collection method: clinical testing. Allele origin: germline.

Myriad Genetics, Inc.
Classification: Likely benign for Oligodontia-cancer predisposition syndrome. Last evaluated: 2024-07-11. Review status: criteria provided, single submitter. Criteria: Myriad Autosomal Dominant, Autosomal Recessive and X-Linked Classification Criteria (2023). Collection method: clinical testing. Allele origin: unknown.
Comment: This variant is considered likely benign. This variant is intronic and is not expected to impact mRNA splicing.

NM_004655.4(AXIN2):c.2406-9C>T

Gene: AXIN2 (axin 2; minus strand). Cytogenetic location: 17q24.1.
Variant type: single nucleotide variant.
Coding change: c.2406-9C>T on transcript NM_004655.4 (MANE Select); 9 bases into the intron before coding-DNA position 2406, C replaced by T.
Molecular consequence: intron variant.
Genome position (GRCh38, 1-based): chr17:65,530,111, G>A on the plus strand (C>T on the coding strand, the complement: AXIN2 is on the minus strand). VCF-style: chr17-65530111-G-A. GRCh37 (hg19) VCF-style: chr17-63526229-G-A.
Other names: c.2406-9C>T (LRG_296t1); c.2211-9C>T (NM_001363813.1).
Identifiers: ClinVar variation 533260 (VCV000533260.11), dbSNP rs1268016004, ClinGen allele CA626907375.